The following is an entry in ClinVar:

NM_004415.4(DSP):c.5327A>G (p.Glu1776Gly)

Gene: DSP (desmoplakin; plus strand). Cytogenetic location: 6p24.3.
Variant type: single nucleotide variant.
Coding change: c.5327A>G on transcript NM_004415.4 (MANE Select); coding-DNA position 5327, A replaced by G.
Protein change: p.Glu1776Gly; replaces glutamic acid 1776 with glycine.
Molecular consequence: missense variant. On other transcripts: intron variant (2).
Genome position (GRCh38, 1-based): chr6:7,581,517, A>G. VCF-style: chr6-7581517-A-G. GRCh37 (hg19) VCF-style: chr6-7581750-A-G.
Other names: c.4051-1125A>G (NM_001319034.2); c.3583-1125A>G (NM_001008844.3); c.5327A>G (LRG_423t1); short protein forms E1776G.
Identifiers: ClinVar variation 534284 (VCV000534284.11), dbSNP rs1363204936, ClinGen allele CA362688352.
Genomic context (GRCh38, chr6:7,581,517, plus strand): 5'-TGCAGATCAGCAACAACCGGACCCTGGAACTGCAGGGGCTGATTAATGATTTACAGAGAG[A>G]GAGGGAAAATTTGAGACAGGAAATTGAGAAATTCCAAAAGCAGGCTTTAGAGGTATTCAC-3'
Protein context (NP_004406.2, residues 1766-1786): LQGLINDLQR[Glu1776Gly]RENLRQEIEK

ClinVar aggregate classification (germline): Uncertain significance. Review status: criteria provided, multiple submitters, no conflicts (2 of 4 stars). 4 submissions from 4 submitters: Uncertain significance (4). Last evaluated 2024-06-03.

Conditions:
Woolly hair-skin fragility syndrome (WHSF). Identifiers: Orphanet 293165, MedGen C1843292, MONDO:0957307, OMIM 620415.
Cardiomyopathy, dilated, with wooly hair, keratoderma, and tooth agenesis. Also called: Cardiomyopathy, dilated, with woolly hair, keratoderma, and tooth agenesis; Erythrokeratodermia-cardiomyopathy syndrome. Identifiers: Orphanet 476096, Orphanet 65282, MedGen C4014393, MONDO:0014355, OMIM 615821.
Lethal acantholytic epidermolysis bullosa (EBLA). Identifiers: Orphanet 158687, MedGen C1864826, MONDO:0012323, OMIM 609638.
Arrhythmogenic cardiomyopathy with wooly hair and keratoderma. Also called: PALMOPLANTAR KERATODERMA WITH LEFT VENTRICULAR CARDIOMYOPATHY AND WOOLLY HAIR; Carvajal syndrome; Dilated cardiomyopathy with woolly hair and keratoderma; Arrhythmogenic cardiomyopathy with woolly hair and keratoderma. Identifiers: Orphanet 65282, MedGen C1854063, MONDO:0011581, OMIM 605676.
Arrhythmogenic right ventricular dysplasia 8 (ARVD8). Also called: Arrhythmogenic Right Ventricular Dysplasia/Cardiomyopathy 8; ARRHYTHMOGENIC RIGHT VENTRICULAR DYSPLASIA, FAMILIAL, 8; ARRHYTHMOGENIC RIGHT VENTRICULAR CARDIOMYOPATHY 8. Identifiers: MedGen C1843896, MONDO:0011831, OMIM 607450.
Keratosis palmoplantaris striata 2. Also called: Keratosis palmoplantaris striata II; KERATODERMA, PALMOPLANTAR, STRIATE FORM II; STRIATE PALMOPLANTAR KERATODERMA II. Identifiers: MedGen C1852127, MONDO:0013034, OMIM 612908.

Allele frequency attached by ClinVar (database versions not stated): gnomAD exomes below 0.00001 and 0.00001; TOPMed below 0.00001.
gnomAD v4.1: 15 of 1,614,170 alleles (0.00093%); highest among the groups gnomAD compares: Non-Finnish European, 0.0013%; no homozygotes.

Submissions (4):

Labcorp Genetics (formerly Invitae), Labcorp
Classification: Uncertain significance for Arrhythmogenic cardiomyopathy with wooly hair and keratoderma; Arrhythmogenic right ventricular dysplasia 8. Last evaluated: 2024-06-03. Review status: criteria provided, single submitter. Criteria: Invitae Variant Classification Sherloc (09022015). Collection method: clinical testing. Allele origin: germline.
Comment: This sequence change replaces glutamic acid, which is acidic and polar, with glycine, which is neutral and non-polar, at codon 1776 of the DSP protein (p.Glu1776Gly). This variant is present in population databases (no rsID available, gnomAD 0.0009%). This variant has not been reported in the literature in individuals affected with DSP-related conditions. ClinVar contains an entry for this variant (Variation ID: 534284). An algorithm developed to predict the effect of missense changes on protein structure and function (PolyPhen-2) suggests that this variant is likely to be disruptive. In summary, the available evidence is currently insufficient to determine the role of this variant in disease. Therefore, it has been classified as a Variant of Uncertain Significance.

All of Us Research Program, National Institutes of Health
Classification: Uncertain significance for Arrhythmogenic cardiomyopathy with wooly hair and keratoderma. Last evaluated: 2024-05-09. Review status: criteria provided, single submitter. Criteria: ACMG Guidelines, 2015. Collection method: clinical testing. Allele origin: germline. Inheritance: Autosomal dominant inheritance. Observed: 3 variant alleles, 3 heterozygotes.
Comment: This missense variant replaces glutamic acid with glycine at codon 1776 of the DSP protein. Computational prediction is inconclusive regarding the impact of this variant on protein structure and function (internally defined REVEL score threshold 0.5 < inconclusive < 0.7, PMID: 27666373). To our knowledge, functional studies have not been reported for this variant. This variant has not been reported in individuals affected with cardiovascular disorders in the literature. This variant has been identified in 1/250738 chromosomes in the general population by the Genome Aggregation Database (gnomAD). The available evidence is insufficient to determine the role of this variant in disease conclusively. Therefore, this variant is classified as a Variant of Uncertain Significance.

This study involves interpretation of variants in research participants for the purpose of population health screening. Participant phenotype was not available at the time of variant classification. Additional details can be found in publication PMID: 35346344, PMCID: PMC8962531

Victorian Clinical Genetics Services, Murdoch Childrens Research Institute
Classification: Uncertain significance for Arrhythmogenic right ventricular dysplasia 8. Last evaluated: 2022-02-02. Review status: criteria provided, single submitter. Criteria: ACMG Guidelines, 2015. Collection method: clinical testing. Allele origin: germline. Inheritance: Autosomal dominant inheritance. Affected: yes.
Comment: Based on the classification scheme VCGS_Germline_v1.3.4, this variant is classified as VUS-3B. Following criteria are met: 0102 - Loss of function is a known mechanism of disease in this gene and is associated with ARVC (MIM#607450) and other DSP-related cardiac disorders. (I) 0108 - This gene is associated with both recessive and dominant disease. Variants in this gene are usually inherited in a dominant manner, however rare reports of recessive inheritance have resulted in a more severe cardiac phenotype (OMIM). (I) 0115 - Variants in this gene are known to have variable expressivity. Age-dependent penetrance and variable expressivity are well-described aspects of arrhythmogenic cardiomyopathy (PMID: 29062697). (I) 0200 - Variant is predicted to result in a missense amino acid change from glutamic acid to glycine. (I) 0251 - This variant is heterozygous. (I) 0302 - Variant is present in gnomAD (v2) <0.001 for a dominant condition (1 heterozygote, 0 homozygotes). (SP) 0502 - Missense variant with conflicting in silico predictions and uninformative conservation. (I) 0604 - Variant is not located in an established domain, motif, hotspot or informative constraint region. (I) 0705 - No comparable missense variants have previous evidence for pathogenicity. (I) 0809 - Previous evidence of pathogenicity for this variant is inconclusive. This variant has been reported once as VUS in ClinVar. (I) 0905 - No published segregation evidence has been identified for this variant. (I) 1007 - No published functional evidence has been identified for this variant. (I) 1208 - Inheritance information for this variant is not currently available in this individual. (I) Legend: (SP) - Supporting pathogenic, (I) - Information, (SB) - Supporting benign

Fulgent Genetics
Classification: Uncertain significance for Arrhythmogenic cardiomyopathy with wooly hair and keratoderma; Arrhythmogenic right ventricular dysplasia 8; Lethal acantholytic epidermolysis bullosa; Keratosis palmoplantaris striata 2; Cardiomyopathy, dilated, with wooly hair, keratoderma, and tooth agenesis. Last evaluated: 2021-11-22. Review status: criteria provided, single submitter. Criteria: ACMG Guidelines, 2015. Collection method: clinical testing. Allele origin: unknown.

Literature cited by the submitters: PubMed 29062697 (cited by Victorian Clinical Genetics Services, Murdoch Childrens Research Institute).